The following is an entry in ClinVar:

ClinVar aggregate classification (germline): Uncertain significance (1 of 4 stars; one submission).

Conditions:
Cardiovascular phenotype. Identifiers: MedGen CN230736.

Submission:

Ambry Genetics
Classification: Uncertain significance for Cardiovascular phenotype. Last evaluated: 2021-06-23. Review status: criteria provided, single submitter. Criteria: Ambry Variant Classification Scheme 2023. Collection method: clinical testing. Allele origin: germline.
Comment: The p.T1211R variant (also known as c.3632C>G), located in coding exon 2 of the ZNF469 gene, results from a C to G substitution at nucleotide position 3632. The threonine at codon 1211 is replaced by arginine, an amino acid with similar properties. This amino acid position is conserved. In addition, this alteration is predicted to be tolerated by in silico analysis. Since supporting evidence is limited at this time, the clinical significance of this alteration remains unclear.

NM_001367624.2(ZNF469):c.3716C>G (p.Thr1239Arg)

Gene: ZNF469 (zinc finger protein 469; plus strand). Cytogenetic location: 16q24.2.
Variant type: single nucleotide variant.
Coding change: c.3716C>G on transcript NM_001367624.2 (MANE Select); coding-DNA position 3716, C replaced by G.
Protein change: p.Thr1239Arg; replaces threonine 1239 with arginine.
Molecular consequence: missense variant.
Genome position (GRCh38, 1-based): chr16:88,431,186, C>G. VCF-style: chr16-88431186-C-G. GRCh37 (hg19) VCF-style: chr16-88497594-C-G.
Other names: NM_001127464.1:c.3632C>G; short protein forms T1239R.
Identifiers: ClinVar variation 1733423 (VCV001733423.2), dbSNP rs2507584602, ClinGen allele CA397086393.